The following is an entry in ClinVar:

ClinVar aggregate classification (germline): Pathogenic. Review status: criteria provided, single submitter (1 of 4 stars). 2 submissions from 2 submitters: Pathogenic (1). 1 of the submissions does not count toward it. Last evaluated 2024-08-23.

Conditions:
CDKL5 disorder. Identifiers: MedGen CN296942, MONDO:0100039.
Developmental and epileptic encephalopathy, 2 (DEE2). Also called: INFANTILE SPASM SYNDROME, X-LINKED 2; CDKL5 deficiency disorder. Identifiers: Orphanet 1934, Orphanet 3451, Orphanet 505652, MedGen C4750718, MONDO:0010396, OMIM 300672.

Submissions (2):

Centre for Population Genomics, CPG
Classification: Pathogenic for CDKL5 disorder. Last evaluated: 2024-08-23. Review status: criteria provided, single submitter. Criteria: McKnight et al. (Hum Mutat. 2022). Collection method: curation. Allele origin: germline. Inheritance: X-linked inheritance.
Comment: This variant has been collected from RettBASE and curated to current modified ACMG/AMP criteria. Based on the classification scheme defined by the ClinGen Rett/Angelman-like Expert Panel for Rett/AS-like Disorders Specifications to the ACMG/AMP Variant Interpretation Guidelines VCEP 3.0, this variant is classified as pathogenic. At least the following criteria are met: Predicted to result in loss of function, and LOF is a known mechanism of disease (PVS1). This variant has been identified as a de novo occurrence in an individual with CDKL5 disorder without confirmation of paternity and maternity (PM6). PMID 21765152 At least one individual with this variant has been reported with a clinical phenotype consistent with CDKL5- related condition (PP4). This variant is absent from gnomAD v4 (PM2_Supporting).

RettBASE
Classification: Pathogenic for Epileptic encephalopathy, early infantile, 2. Last evaluated: 2014-03-13. Review status: no assertion criteria provided. Collection method: curation. Allele origin: de novo. Affected: yes. Observed: 1 variant allele. Not counted in ClinVar's aggregate classification.

Literature cited by the submitters: PubMed 21765152 (cited by RettBASE).

NM_001323289.2(CDKL5):c.2105_2106del (p.His702fs)

Gene: CDKL5 (cyclin dependent kinase like 5; plus strand). Cytogenetic location: Xp22.13.
Variant type: Microsatellite.
Coding change: c.2105_2106del on transcript NM_001323289.2 (MANE Select); coding-DNA positions 2105 to 2106, 2 bases deleted (AC; older notation c.2105_2106delAC).
Protein change: p.His702fs; shifts the reading frame from histidine 702.
Molecular consequence: frameshift variant.
Genome position (GRCh38, 1-based): chrX:18,609,523-18,609,524, AC deleted; deleting any 2 consecutive bases within chrX:18,609,521-18,609,524 gives the same sequence; the c. name uses the placement nearest the transcript's 3' end. VCF-style (leftmost placement, unchanged base first): chrX-18609520-GAC-G. GRCh37 (hg19) VCF-style: chrX-18627640-GAC-G.
Other names: NM_001323289.2(CDKL5):c.2105_2106del; p.His702fs; c.2105_2106delAC (NM_003159.2); c.2105_2106del, p.His702fs (NM_001037343.2, NM_003159.3); short protein forms H702fs.
Identifiers: ClinVar variation 189570 (VCV000189570.3), dbSNP rs786204978, ClinGen allele CA199388.